The following is an entry in ClinVar:

NM_005909.5(MAP1B):c.2146G>A (p.Glu716Lys)

Gene: MAP1B (microtubule associated protein 1B; plus strand). Cytogenetic location: 5q13.2.
Variant type: single nucleotide variant.
Coding change: c.2146G>A on transcript NM_005909.5 (MANE Select); coding-DNA position 2146, G replaced by A.
Protein change: p.Glu716Lys; replaces glutamic acid 716 with lysine.
Molecular consequence: missense variant.
Genome position (GRCh38, 1-based): chr5:72,195,501, G>A. VCF-style: chr5-72195501-G-A. GRCh37 (hg19) VCF-style: chr5-71491328-G-A.
Other names: c.1768G>A, p.Glu590Lys (NM_001324255.2); short protein forms E590K, E716K.
Identifiers: ClinVar variation 1722794 (VCV001722794.2), dbSNP rs971581719, ClinGen allele CA120032290.

ClinVar aggregate classification (germline): Uncertain significance (1 of 4 stars; one submission).

Allele frequency attached by ClinVar (database versions not stated): gnomAD exomes below 0.00001.
gnomAD v4.1: 3 of 1,587,224 alleles (0.00019%); highest among the groups gnomAD compares: Non-Finnish European, 0.00026%; no homozygotes.

Submission:

GeneDx
Classification: Uncertain significance. Last evaluated: 2022-05-03. Review status: criteria provided, single submitter. Criteria: GeneDx Variant Classification Process June 2021. Collection method: clinical testing. Allele origin: germline. Affected: yes.
Comment: Not observed at significant frequency in large population cohorts (gnomAD); In silico analysis supports that this missense variant has a deleterious effect on protein structure/function; Has not been previously published as pathogenic or benign to our knowledge